The following is an entry in ClinVar:

NM_006885.4(ZFHX3):c.905T>C (p.Val302Ala)

Gene: ZFHX3 (zinc finger homeobox 3; minus strand). Cytogenetic location: 16q22.3.
Variant type: single nucleotide variant.
Coding change: c.905T>C on transcript NM_006885.4 (MANE Select); coding-DNA position 905, T replaced by C.
Protein change: p.Val302Ala; replaces valine 302 with alanine.
Molecular consequence: missense variant. On other transcripts: intron variant (1).
Genome position (GRCh38, 1-based): chr16:72,959,241, A>G on the plus strand (T>C on the coding strand, the complement: ZFHX3 is on the minus strand). VCF-style: chr16-72959241-A-G. GRCh37 (hg19) VCF-style: chr16-72993140-A-G.
Other names: c.905T>C, p.Val302Ala (NM_001386735.1); c.-23-8276T>C (NM_001164766.2); short protein forms V302A.
Identifiers: ClinVar variation 4529595 (VCV004529595.1).

ClinVar aggregate classification (germline): Uncertain significance (1 of 4 stars; one submission).

gnomAD v4.1: 2 of 1,614,052 alleles (0.00012%); highest among the groups gnomAD compares: Non-Finnish European, 0.000085%; no homozygotes.

Submission:

GeneDx
Classification: Uncertain significance. Last evaluated: 2025-05-15. Review status: criteria provided, single submitter. Criteria: GeneDx Variant Classification Process June 2021. Collection method: clinical testing. Allele origin: germline. Affected: yes.
Comment: Not observed at significant frequency in large population cohorts (gnomAD); In silico analysis supports that this missense variant has a deleterious effect on protein structure/function; Has not been previously published as pathogenic or benign to our knowledge